The following is an entry in ClinVar:

NM_001347721.2(DYRK1A):c.2045A>T (p.Asp682Val)

Gene: DYRK1A (dual specificity tyrosine phosphorylation regulated kinase 1A; plus strand). Cytogenetic location: 21q22.13.
Variant type: single nucleotide variant.
Coding change: c.2045A>T on transcript NM_001347721.2 (MANE Select); coding-DNA position 2045, A replaced by T.
Protein change: p.Asp682Val; replaces aspartic acid 682 with valine.
Molecular consequence: missense variant. On other transcripts: 3 prime UTR variant (2).
Genome position (GRCh38, 1-based): chr21:37,512,311, A>T. VCF-style: chr21-37512311-A-T. GRCh37 (hg19) VCF-style: chr21-38884614-A-T.
Other names: c.2045A>T, p.Asp682Val (NM_001347722.2, NM_130436.2); c.1958A>T, p.Asp653Val (NM_001347723.2); c.2072A>T, p.Asp691Val (NM_001396.5); c.*448A>T (NM_101395.2); c.*357A>T (NM_130438.2); short protein forms D691V, D682V, D653V.
Identifiers: ClinVar variation 1040474 (VCV001040474.9), dbSNP rs773551586, ClinGen allele CA409940412.

ClinVar aggregate classification (germline): Uncertain significance (1 of 4 stars; one submission).

Conditions:
DYRK1A-related intellectual disability syndrome (MRD7). Also called: DYRK1A Syndrome; Intellectual developmental disorder, autosomal dominant 7. Identifiers: Orphanet 464306, MedGen C5568143, MONDO:0013578, OMIM 614104.

Submission:

Labcorp Genetics (formerly Invitae), Labcorp
Classification: Uncertain significance for DYRK1A-related intellectual disability syndrome. Last evaluated: 2021-12-23. Review status: criteria provided, single submitter. Criteria: Invitae Variant Classification Sherloc (09022015). Collection method: clinical testing. Allele origin: germline.
Comment: This variant is not present in population databases (gnomAD no frequency). This sequence change replaces aspartic acid, which is acidic and polar, with valine, which is neutral and non-polar, at codon 691 of the DYRK1A protein (p.Asp691Val). This variant has not been reported in the literature in individuals affected with DYRK1A-related conditions. ClinVar contains an entry for this variant (Variation ID: 1040474). Advanced modeling of protein sequence and biophysical properties (such as structural, functional, and spatial information, amino acid conservation, physicochemical variation, residue mobility, and thermodynamic stability) performed at Invitae indicates that this missense variant is not expected to disrupt DYRK1A protein function. In summary, the available evidence is currently insufficient to determine the role of this variant in disease. Therefore, it has been classified as a Variant of Uncertain Significance.